The following is an entry in ClinVar:

NM_002709.3(PPP1CB):c.53-9G>A

Gene: PPP1CB (protein phosphatase 1 catalytic subunit beta; plus strand). Cytogenetic location: 2p23.2.
Variant type: single nucleotide variant.
Coding change: c.53-9G>A on transcript NM_002709.3 (MANE Select); 9 bases into the intron before coding-DNA position 53, G replaced by A.
Molecular consequence: intron variant.
Genome position (GRCh38, 1-based): chr2:28,776,842, G>A. VCF-style: chr2-28776842-G-A. GRCh37 (hg19) VCF-style: chr2-28999708-G-A.
Other names: c.53-9G>A (NM_206876.2).
Identifiers: ClinVar variation 747303 (VCV000747303.19), dbSNP rs368197884, ClinGen allele CA1589161.

ClinVar aggregate classification (germline): Benign. Review status: reviewed by expert panel (3 of 4 stars). 7 submissions from 7 submitters: Benign (1). 6 of the submissions do not count toward it. Last evaluated 2024-12-03.

Conditions:
PPP1CB-related disorder. Also called: PPP1CB-related condition.
Noonan syndrome-like disorder with loose anagen hair 2 (NSLH2). Identifiers: MedGen C4479577, MONDO:0054588, OMIM 617506.
RASopathy. Also called: rasopathies; Noonan spectrum disorder. Identifiers: Orphanet 536391, MedGen C5555857, MONDO:0021060.

Allele frequency attached by ClinVar (database versions not stated): gnomAD exomes 0.00047; ExAC 0.00055; 1000 Genomes Project 30x 0.00094; 1000 Genomes Project 0.00100; gnomAD 0.00172; TOPMed 0.00180; ESP Exome Variant Server 0.00223.
gnomAD v4.1: 467 of 1,586,544 alleles (0.029%); highest among the groups gnomAD compares: African/African-American, 0.56%; 1 homozygote.

Submissions (7):

ClinGen RASopathy Variant Curation Expert Panel
Classification: Benign for RASopathy. Last evaluated: 2024-12-03. Review status: reviewed by expert panel. Criteria: ClinGen RASopathy ACMG Specifications PPP1CB V1.3.0. Collection method: curation. Allele origin: germline. Inheritance: Autosomal dominant inheritance.
Comment: The c.53-9G>A variant in PPP1CB is an intronic splicing variant located in intron 1 of PPP1CB. The filtering allele frequency in gnomAD v2 is 0.5284% in the African American population, which is higher than the ClinGen RASopathy VCEP threshold (>0.0005) for BA1, and therefore meets this criterion (BA1). In summary, this variant meets the criteria to be classified as benign for autosomal dominant RASopathy based on the ACMG/AMP criteria applied, as specified by the ClinGen RASopathy VCEP: BA1. (RASopathy VCEP specifications version 1.3; 12/3/2024)

Labcorp Genetics (formerly Invitae), Labcorp
Classification: Benign. Last evaluated: 2026-01-31. Review status: criteria provided, single submitter. Criteria: Invitae Variant Classification Sherloc (09022015). Collection method: clinical testing. Allele origin: germline. Not counted in ClinVar's aggregate classification.

Women's Health and Genetics/Laboratory Corporation of America, LabCorp
Classification: Benign. Last evaluated: 2024-12-27. Review status: criteria provided, single submitter. Criteria: LabCorp Variant Classification Summary - May 2015. Collection method: clinical testing. Allele origin: germline. Not counted in ClinVar's aggregate classification.

Blueprint Genetics
Classification: Likely benign. Last evaluated: 2024-10-22. Review status: criteria provided, single submitter. Criteria: ACMG Guidelines, 2015. Collection method: clinical testing. Allele origin: germline. Not counted in ClinVar's aggregate classification.

Fulgent Genetics
Classification: Likely benign for Noonan syndrome-like disorder with loose anagen hair 2. Last evaluated: 2022-05-24. Review status: criteria provided, single submitter. Criteria: ACMG Guidelines, 2015. Collection method: clinical testing. Allele origin: unknown. Not counted in ClinVar's aggregate classification.

GeneDx
Classification: Likely benign. Last evaluated: 2019-09-24. Review status: criteria provided, single submitter. Criteria: GeneDx Variant Classification Process June 2021. Collection method: clinical testing. Allele origin: germline. Affected: yes. Not counted in ClinVar's aggregate classification.

PreventionGenetics, part of Exact Sciences
Classification: Benign for PPP1CB-related condition. Last evaluated: 2019-10-28. Review status: no assertion criteria provided. Collection method: clinical testing. Allele origin: germline. Not counted in ClinVar's aggregate classification.
Comment: This variant is classified as benign based on ACMG/AMP sequence variant interpretation guidelines (Richards et al. 2015 PMID: 25741868, with internal and published modifications).